The following is an entry in ClinVar:

ClinVar aggregate classification (germline): Uncertain significance. Review status: criteria provided, multiple submitters, no conflicts (2 of 4 stars). 2 submissions from 2 submitters: Uncertain significance (2). Last evaluated 2026-01-05.

Conditions:
Inborn genetic diseases. Identifiers: MedGen C0950123, MeSH D030342.

Allele frequency attached by ClinVar (database versions not stated): gnomAD 0.00003; gnomAD exomes 0.00003; TOPMed 0.00004; ESP Exome Variant Server 0.00008.

Submissions (2):

Women's Health and Genetics/Laboratory Corporation of America, LabCorp
Classification: Uncertain significance. Last evaluated: 2026-01-05. Review status: criteria provided, single submitter. Criteria: LabCorp Variant Classification Summary - May 2015. Collection method: clinical testing. Allele origin: germline.
Comment: Variant summary: TRIM63 c.185G>A (p.Arg62Gln) results in a conservative amino acid change in the encoded protein sequence. Algorithms developed to predict the effect of missense changes on protein structure and function all suggest that this variant is likely to be tolerated. The variant allele was found at a frequency of 4.2e-06 in 240838 control chromosomes. The available data on variant occurrences in the general population are insufficient to allow any conclusion about variant significance. To our knowledge, no occurrence of c.185G>A in individuals affected with TRIM63-related conditions and no experimental evidence demonstrating its impact on protein function have been reported. ClinVar contains an entry for this variant (Variation ID: 2220588). Based on the evidence outlined above, the variant was classified as uncertain significance.

Ambry Genetics
Classification: Uncertain significance for Inborn genetic diseases. Last evaluated: 2022-01-26. Review status: criteria provided, single submitter. Criteria: Ambry Variant Classification Scheme 2023. Collection method: clinical testing. Allele origin: germline.

NM_032588.4(TRIM63):c.185G>A (p.Arg62Gln)

Gene: TRIM63 (tripartite motif containing 63; minus strand). Cytogenetic location: 1p36.11.
Variant type: single nucleotide variant.
Coding change: c.185G>A on transcript NM_032588.4 (MANE Select); coding-DNA position 185, G replaced by A.
Protein change: p.Arg62Gln; replaces arginine 62 with glutamine.
Molecular consequence: missense variant.
Genome position (GRCh38, 1-based): chr1:26,066,415, C>T on the plus strand (G>A on the coding strand, the complement: TRIM63 is on the minus strand). VCF-style: chr1-26066415-C-T. GRCh37 (hg19) VCF-style: chr1-26392906-C-T.
Other names: short protein forms R62Q.
Identifiers: ClinVar variation 2220588 (VCV002220588.5), dbSNP rs369627227, ClinGen allele CA19755920.